The following is an entry in ClinVar:

ClinVar aggregate classification (germline): Benign/Likely benign. Review status: criteria provided, multiple submitters, no conflicts (2 of 4 stars). 8 submissions from 8 submitters: Benign (1); Likely benign (7). Last evaluated 2025-11-27.

Conditions:
Von Hippel-Lindau syndrome (VHLS). Also called: Von Hippel-Lindau; von Hippel–Lindau syndrome; VHL syndrome. Identifiers: Orphanet 892, MedGen C0019562, MONDO:0008667, OMIM 193300. Disease mechanism: loss of function.
Chuvash polycythemia. Also called: POLYCYTHEMIA, VHL-DEPENDENT. Identifiers: Orphanet 238557, MedGen C1837915, MONDO:0009892, OMIM 263400.
Hereditary cancer-predisposing syndrome. Also called: Neoplastic Syndromes, Hereditary; Hereditary neoplastic syndrome; Tumor predisposition; Hereditary Cancer Syndrome. Identifiers: Orphanet 140162, MedGen C0027672, MeSH D009386, MONDO:0015356.

Allele frequency attached by ClinVar (database versions not stated): gnomAD exomes below 0.00001; gnomAD 0.00001; TOPMed 0.00003.
gnomAD v4.1: 16 of 1,602,054 alleles (0.001%); highest among the groups gnomAD compares: Non-Finnish European, 0.0013%; no homozygotes.

Submissions (8):

Labcorp Genetics (formerly Invitae), Labcorp
Classification: Likely benign for Von Hippel-Lindau syndrome; Chuvash polycythemia. Last evaluated: 2025-11-27. Review status: criteria provided, single submitter. Criteria: Invitae Variant Classification Sherloc (09022015). Collection method: clinical testing. Allele origin: germline.

Myriad Genetics, Inc.
Classification: Benign for Von Hippel-Lindau syndrome. Last evaluated: 2025-06-10. Review status: criteria provided, single submitter. Criteria: Myriad Autosomal Dominant, Autosomal Recessive and X-Linked Classification Criteria (2023). Collection method: clinical testing. Allele origin: unknown.
Comment: This variant is considered benign. This variant is a silent/synonymous amino acid change and it is not expected to impact splicing.

All of Us Research Program, National Institutes of Health
Classification: Likely benign for Von Hippel-Lindau syndrome. Last evaluated: 2024-02-05. Review status: criteria provided, single submitter. Criteria: ACMG Guidelines, 2015. Collection method: clinical testing. Allele origin: germline. Inheritance: Autosomal dominant inheritance. Observed: 5 variant alleles, 5 heterozygotes.
Comment: This study involves interpretation of variants in research participants for the purpose of population health screening. Participant phenotype was not available at the time of variant classification. Additional details can be found in publication PMID: 35346344, PMCID: PMC8962531

Color Diagnostics, LLC DBA Color Health
Classification: Likely benign for Von Hippel-Lindau syndrome. Last evaluated: 2022-11-06. Review status: criteria provided, single submitter. Criteria: ACMG Guidelines, 2015. Collection method: clinical testing. Allele origin: germline.

CeGaT Center for Human Genetics Tuebingen
Classification: Likely benign. Last evaluated: 2022-06-01. Review status: criteria provided, single submitter. Criteria: CeGaT Center For Human Genetics Tuebingen Variant Classification Criteria Version 2. Collection method: clinical testing. Allele origin: germline. Affected: yes. Observed: 1 variant allele.
Comment: VHL: BP4, BP7

Sema4
Classification: Likely benign for Hereditary cancer-predisposing syndrome. Last evaluated: 2021-07-09. Review status: criteria provided, single submitter. Criteria: Sema4 Curation Guidelines. Collection method: curation. Allele origin: germline.

Ambry Genetics
Classification: Likely benign for Hereditary cancer-predisposing syndrome. Last evaluated: 2019-03-19. Review status: criteria provided, single submitter. Criteria: Ambry Variant Classification Scheme 2023. Collection method: clinical testing. Allele origin: germline.

GeneDx
Classification: Likely benign. Last evaluated: 2016-01-05. Review status: criteria provided, single submitter. Criteria: GeneDx Variant Classification (06012015). Collection method: clinical testing. Allele origin: germline. Affected: yes.
Comment: This variant is considered likely benign or benign based on one or more of the following criteria: it is a conservative change, it occurs at a poorly conserved position in the protein, it is predicted to be benign by multiple in silico algorithms, and/or has population frequency not consistent with disease.

NM_000551.4(VHL):c.192C>T (p.Arg64=)

Gene: VHL (von Hippel-Lindau tumor suppressor; plus strand). Cytogenetic location: 3p25.3.
Variant type: single nucleotide variant.
Coding change: c.192C>T on transcript NM_000551.4 (MANE Select); coding-DNA position 192, C replaced by T.
Protein change: p.Arg64=; no amino-acid change (arginine 64 retained).
Molecular consequence: synonymous variant.
Genome position (GRCh38, 1-based): chr3:10,142,039, C>T. VCF-style: chr3-10142039-C-T. GRCh37 (hg19) VCF-style: chr3-10183723-C-T.
Other names: c.192C>T, p.Arg64= (NM_001354723.2, NM_198156.3).
Identifiers: ClinVar variation 382828 (VCV000382828.44), dbSNP rs1012545817, ClinGen allele CA16604426.
Genomic context (GRCh38, chr3:10,142,039, plus strand): 5'-CCCGGAGGAACTGGGCGCCGAGGAGGAGATGGAGGCCGGGCGGCCGCGGCCCGTGCTGCG[C>T]TCGGTGAACTCGCGCGAGCCCTCCCAGGTCATCTTCTGCAATCGCAGTCCGCGCGTCGTG-3'
Protein context (NP_000542.1, residues 54-74): MEAGRPRPVL[Arg64=]SVNSREPSQV